The following is an entry in ClinVar:

NM_178014.4(TUBB):c.167-1_176del

Gene: TUBB (tubulin beta class I; plus strand). Cytogenetic location: 6p21.33.
Variant type: Deletion.
Coding change: c.167-1_176del on transcript NM_178014.4 (MANE Select); the canonical splice acceptor site of the intron before coding-DNA position 167 through coding-DNA position 176, 11 bases deleted (GGTGGCAAATA).
Molecular consequence: splice acceptor variant.
Genome position (GRCh38, 1-based): chr6:30,722,917-30,722,927, GGTGGCAAATA deleted; deleting any 11 consecutive bases within chr6:30,722,915-30,722,927 gives the same sequence; the c. name uses the placement nearest the transcript's 3' end. VCF-style (leftmost placement, unchanged base first): chr6-30722914-GTAGGTGGCAAA-G. GRCh37 (hg19) VCF-style: chr6-30690691-GTAGGTGGCAAA-G.
Other names: c.167-1_176del (NM_001293213.2); c.35-1_44del (NM_001293214.2); c.227-1_236del (NM_001293212.2); c.-50-1_-41del (NM_001293215.2, NM_001293216.2).
Identifiers: ClinVar variation 3767848 (VCV003767848.1).
Genomic context (GRCh38, chr6:30,722,914, plus strand): 5'-TCCAGTATATCTATAAACCTTCCCTTCTGCCAGATTTCACAGCTCTTAACTTTATTCTCT[GTAGGTGGCAAA>G]TATGTTCCTCGTGCCATCCTGGTGGATCTAGAACCTGGGACCATGGACTCTGTTCGCTCA-3'

ClinVar aggregate classification (germline): Uncertain significance (1 of 4 stars; one submission).

Submission:

GeneDx
Classification: Uncertain significance. Last evaluated: 2024-09-09. Review status: criteria provided, single submitter. Criteria: GeneDx Variant Classification Process June 2021. Collection method: clinical testing. Allele origin: germline. Affected: yes.
Comment: Not observed at significant frequency in large population cohorts (gnomAD); Canonical splice site variant in a gene for which loss-of-function is not an established mechanism of disease; Has not been previously published as pathogenic or benign to our knowledge